The following is an entry in ClinVar:

ClinVar aggregate classification (germline): Uncertain significance (1 of 4 stars; one submission).

Conditions:
Hearing loss, autosomal dominant 75. Also called: DEAFNESS, AUTOSOMAL DOMINANT 75. Identifiers: MedGen C5394059, MONDO:0032911, OMIM 618778.

gnomAD v4.1: 3 of 1,613,826 alleles (0.00019%); highest among the groups gnomAD compares: Non-Finnish European, 0.00025%; no homozygotes.

Submission:

Centro Nacional de Genética Medica, Administración Nacional de Laboratorios e Institutos de Salud (ANLIS) “Dr. Carlos G Malbrán”
Classification: Uncertain significance for Hearing loss, autosomal dominant 75. Last evaluated: 2024-08-01. Review status: criteria provided, single submitter. Criteria: ACMG Guidelines, 2015. Collection method: research. Allele origin: germline. Affected: yes. Observed: 1 variant allele.
Comment: The c.5084C>T, variant found is located in exon 37 of the TRRAP gene. The variant is located in a region called Tra1_ring (Pfam entry:PF20206), which folds into a ring with a solenoid center that interacts with substrates and with another region of the same protein responsible for binding to chromatin (PM1). The variant found has a very low frequency; it is present in population databases such as GnomAD (0.000001859) and is not present in ExAc or 1000 Genomes (PM2_Supporting). The gene has low tolerance to missense variants and has a Z score greater than 3, most of which are pathogenic according to the GnomAD database (PP2). The variant found is not found in either the region associated with group A or the region associated with group B; it is located in a region intermediate to those described for these two groups.

Literature cited by the submitters: PubMed 9708738; PubMed 11418595; PubMed 12138177; PubMed 12660246; PubMed 12743606; PubMed 14966270; PubMed 17967892; PubMed 24463511; PubMed 30827496; PubMed 29146944.

NM_001375524.1(TRRAP):c.5084C>T (p.Thr1695Ile)

Genes: TRRAP (transformation/transcription domain associated protein; plus strand), LOC126860121 (MED14-independent group 3 enhancer GRCh37_chr7:98547245-98548444; plus strand). Cytogenetic location: 7q22.1.
Variant type: single nucleotide variant.
Coding change: c.5084C>T on transcript NM_001375524.1 (MANE Select); coding-DNA position 5084, C replaced by T.
Protein change: p.Thr1695Ile; replaces threonine 1695 with isoleucine.
Molecular consequence: missense variant.
Genome position (GRCh38, 1-based): chr7:98,949,790, C>T. VCF-style: chr7-98949790-C-T. GRCh37 (hg19) VCF-style: chr7-98547413-C-T.
Other names: c.5084C>T; p.T1695I; p.Thr1695Ile; c.5063C>T, p.Thr1688Ile (NM_001244580.2); c.5009C>T, p.Thr1670Ile (NM_003496.4); short protein forms T1670I, T1688I, T1695I.
Identifiers: ClinVar variation 3777020 (VCV003777020.1).
Genomic context (GRCh38, chr7:98,949,790, plus strand): 5'-GACGTGTGTGGGTGAGTGAGAACTTCCAAGAGAGGCACCGCAAGGAGAACATGGCAGCCA[C>T]CAACTGGAAGGAGCCCAAGCTGCTGGCCTACTGCCTGCTGAACTACTGCAAGTGGGTGCC-3'
Protein context (NP_001362453.1, residues 1685-1705): ERHRKENMAA[Thr1695Ile]NWKEPKLLAY